The following is an entry in ClinVar:

NM_001077418.3(TMEM231):c.612T>G (p.Phe204Leu)

Gene: TMEM231 (transmembrane protein 231; minus strand). Cytogenetic location: 16q23.1.
Variant type: single nucleotide variant.
Coding change: c.612T>G on transcript NM_001077418.3 (MANE Select); coding-DNA position 612, T replaced by G.
Protein change: p.Phe204Leu; replaces phenylalanine 204 with leucine.
Molecular consequence: missense variant. On other transcripts: non-coding transcript variant (1).
Genome position (GRCh38, 1-based): chr16:75,542,654, A>C on the plus strand (T>G on the coding strand, the complement: TMEM231 is on the minus strand). VCF-style: chr16-75542654-A-C. GRCh37 (hg19) VCF-style: chr16-75576552-A-C.
Other names: c.771T>G, p.Phe257Leu (NM_001077416.2); short protein forms F204L, F257L.
Identifiers: ClinVar variation 1219720 (VCV001219720.7), dbSNP rs778214389, ClinGen allele CA8176114.

ClinVar aggregate classification (germline): Uncertain significance. Review status: criteria provided, multiple submitters, no conflicts (2 of 4 stars). 3 submissions from 3 submitters: Uncertain significance (3). Last evaluated 2025-11-11.

Conditions:
Joubert syndrome 20 (JBTS20). Identifiers: Orphanet 475, MedGen C3554235, MONDO:0013994, OMIM 614970.
Meckel syndrome, type 11 (MKS11). Identifiers: Orphanet 564, MedGen C3809352, MONDO:0014164, OMIM 615397.

Allele frequency attached by ClinVar (database versions not stated): gnomAD exomes 0.00001 and below 0.00001; TOPMed below 0.00001; ExAC 0.00001.

Submissions (3):

GeneDx
Classification: Uncertain significance. Last evaluated: 2025-11-11. Review status: criteria provided, single submitter. Criteria: GeneDx Variant Classification Process June 2021. Collection method: clinical testing. Allele origin: germline. Affected: yes.
Comment: Not observed at significant frequency in large population cohorts (gnomAD); In silico analysis supports that this missense variant has a deleterious effect on protein structure/function; Has not been previously published as pathogenic or benign to our knowledge

Blueprint Genetics
Classification: Uncertain significance. Last evaluated: 2024-09-06. Review status: criteria provided, single submitter. Criteria: ACMG Guidelines, 2015. Collection method: clinical testing. Allele origin: germline.

Fulgent Genetics
Classification: Uncertain significance for Joubert syndrome 20; Meckel syndrome, type 11. Last evaluated: 2024-02-05. Review status: criteria provided, single submitter. Criteria: ACMG Guidelines, 2015. Collection method: clinical testing. Allele origin: germline.